The following is an entry in ClinVar:

NM_015141.4(GPD1L):c.959+7C>A

Gene: GPD1L (glycerol-3-phosphate dehydrogenase 1 like; plus strand). Cytogenetic location: 3p22.3.
Variant type: single nucleotide variant.
Coding change: c.959+7C>A on transcript NM_015141.4 (MANE Select); 7 bases into the intron after coding-DNA position 959, C replaced by A.
Molecular consequence: intron variant.
Genome position (GRCh38, 1-based): chr3:32,159,681, C>A. VCF-style: chr3-32159681-C-A. GRCh37 (hg19) VCF-style: chr3-32201173-C-A.
Identifiers: ClinVar variation 388490 (VCV000388490.9), dbSNP rs1057523126, ClinGen allele CA16604515.

ClinVar aggregate classification (germline): Likely benign. Review status: criteria provided, multiple submitters, no conflicts (2 of 4 stars). 3 submissions from 3 submitters: Likely benign (3). Last evaluated 2021-08-03.

Conditions:
Brugada syndrome. Also called: Sudden unexpected nocturnal death syndrome; Sudden unexplained nocturnal death syndrome; Sudden Unexplained Death Syndrome; Sudden Unexplained Nocturnal Death Syndrome (SUNDS). Identifiers: Orphanet 130, MedGen C1142166, MONDO:0015263.

Submissions (3):

Labcorp Genetics (formerly Invitae), Labcorp
Classification: Likely benign for Brugada syndrome. Last evaluated: 2021-08-03. Review status: criteria provided, single submitter. Criteria: Invitae Variant Classification Sherloc (09022015). Collection method: clinical testing. Allele origin: germline.

GeneDx
Classification: Likely benign. Last evaluated: 2016-08-05. Review status: criteria provided, single submitter. Criteria: GeneDx Variant Classification (06012015). Collection method: clinical testing. Allele origin: germline. Affected: yes.
Comment: This variant is considered likely benign or benign based on one or more of the following criteria: it is a conservative change, it occurs at a poorly conserved position in the protein, it is predicted to be benign by multiple in silico algorithms, and/or has population frequency not consistent with disease.

Breakthrough Genomics
Classification: Likely benign. Review status: criteria provided, single submitter. Criteria: ACMG Guidelines, 2015. Collection method: not provided. Allele origin: germline. Inheritance: Unknown mechanism. Affected: yes.